The following is an entry in ClinVar:

ClinVar aggregate classification (germline): Conflicting classifications of pathogenicity. Review status: criteria provided, conflicting classifications (1 of 4 stars). 2 submissions from 2 submitters: Pathogenic (1); Uncertain significance (1). Last evaluated 2022-06-03.

Conditions:
Stickler syndrome type 2 (STL2). Also called: STICKLER SYNDROME, TYPE II; COL11A1-Related Stickler Syndrome; STICKLER SYNDROME, BEADED VITREOUS TYPE; STICKLER SYNDROME, VITREOUS TYPE 2. Identifiers: Orphanet 828, Orphanet 90654, MedGen C1858084, MONDO:0011493, OMIM 604841.
Fibrochondrogenesis 1 (FBCG1). Identifiers: Orphanet 2021, MedGen C3278138, MONDO:0009226, OMIM 228520.

Submissions (2):

MGZ Medical Genetics Center
Classification: Uncertain significance for Stickler syndrome type 2. Last evaluated: 2022-06-03. Review status: criteria provided, single submitter. Criteria: ACMG Guidelines, 2015. Collection method: clinical testing. Allele origin: germline. Affected: yes. Observed: 1 variant allele.
Comment: ACMG criteria applied: PVS1_MOD, PM2_SUP

Mendelics
Classification: Pathogenic for Fibrochondrogenesis 1. Last evaluated: 2019-05-28. Review status: criteria provided, single submitter. Criteria: Mendelics Assertion Criteria 2017. Collection method: clinical testing. Allele origin: unknown.

NM_001854.4(COL11A1):c.3978+1G>A

Gene: COL11A1 (collagen type XI alpha 1 chain; minus strand). Cytogenetic location: 1p21.1.
Variant type: single nucleotide variant.
Coding change: c.3978+1G>A on transcript NM_001854.4 (MANE Select); the canonical splice donor site of the intron after coding-DNA position 3978, G replaced by A.
Molecular consequence: splice donor variant.
Genome position (GRCh38, 1-based): chr1:102,914,351, C>T on the plus strand (G>A on the coding strand, the complement: COL11A1 is on the minus strand). VCF-style: chr1-102914351-C-T. GRCh37 (hg19) VCF-style: chr1-103379907-C-T.
Other names: c.3861+1G>A (NM_001190709.2); c.4014+1G>A (NM_080629.3); c.3630+1G>A (NM_080630.4).
Identifiers: ClinVar variation 801530 (VCV000801530.2), dbSNP rs1570712889, ClinGen allele CA341160711.